The following is an entry in ClinVar:

ClinVar aggregate classification (germline): Benign/Likely benign. Review status: criteria provided, multiple submitters, no conflicts (2 of 4 stars). 4 submissions from 4 submitters: Benign (3); Likely benign (1). Last evaluated 2025-08-12.

Allele frequency attached by ClinVar (database versions not stated): gnomAD exomes 0.00034 and 0.00085; ExAC 0.00101; gnomAD 0.00307 and 0.00329; TOPMed 0.00356; 1000 Genomes Project 0.00399; ESP Exome Variant Server 0.00454; 1000 Genomes Project 30x 0.00500.
gnomAD v4.1: 988 of 1,614,144 alleles (0.061%); highest among the groups gnomAD compares: African/African-American, 1%; 5 homozygotes.

Submissions (5):

Ambry Genetics
Classification: Likely benign. Last evaluated: 2025-08-12. Review status: criteria provided, single submitter. Criteria: Ambry Variant Classification Scheme 2023. Collection method: clinical testing. Allele origin: germline.

Mayo Clinic Laboratories, Mayo Clinic
Classification: Benign. Last evaluated: 2022-05-04. Review status: criteria provided, single submitter. Criteria: ACMG Guidelines, 2015. Collection method: clinical testing. Allele origin: germline. Observed: 6 variant alleles.
Comment: BS1, BS2, BP4

Labcorp Genetics (formerly Invitae), Labcorp
Classification: Benign. Last evaluated: 2019-12-31. Review status: criteria provided, single submitter. Criteria: Invitae Variant Classification Sherloc (09022015). Collection method: clinical testing. Allele origin: germline.

Eurofins Ntd Llc (ga)
Classification: Benign. Last evaluated: 2017-03-27. Review status: criteria provided, single submitter. Criteria: EGL Classification Definitions 2015. Collection method: clinical testing. Allele origin: germline. Observed: 1 variant allele, 1 heterozygote.

Dr. Peter K. Rogan Lab, Western University
No classification provided (evidence only). Condition: Gastric cancer. Review status: no classification provided. Collection method: in vitro. Allele origin: not applicable. Functional consequence: retained intron. Not counted in ClinVar's aggregate classification.

NM_001966.4(EHHADH):c.1805G>A (p.Arg602Gln)

Gene: EHHADH (enoyl-CoA hydratase and 3-hydroxyacyl CoA dehydrogenase; minus strand). Cytogenetic location: 3q27.2.
Variant type: single nucleotide variant.
Coding change: c.1805G>A on transcript NM_001966.4 (MANE Select); coding-DNA position 1805, G replaced by A.
Protein change: p.Arg602Gln; replaces arginine 602 with glutamine.
Molecular consequence: missense variant.
Genome position (GRCh38, 1-based): chr3:185,192,593, C>T on the plus strand (G>A on the coding strand, the complement: EHHADH is on the minus strand). VCF-style: chr3-185192593-C-T. GRCh37 (hg19) VCF-style: chr3-184910381-C-T.
Other names: NC_000003.11:g.184910381C>T; p.Arg602Gln; c.1517G>A, p.Arg506Gln (NM_001166415.2); short protein forms R602Q, R506Q.
Identifiers: ClinVar variation 501138 (VCV000501138.12), dbSNP rs35200935, ClinGen allele CA2738920.